The following is an entry in ClinVar:

NM_001365308.1(BMPER):c.1232G>A (p.Arg411Gln)

Gene: BMPER (BMP binding endothelial regulator; plus strand). Cytogenetic location: 7p14.3.
Variant type: single nucleotide variant.
Coding change: c.1232G>A on transcript NM_001365308.1 (MANE Select); coding-DNA position 1232, G replaced by A.
Protein change: p.Arg411Gln; replaces arginine 411 with glutamine.
Molecular consequence: missense variant.
Genome position (GRCh38, 1-based): chr7:34,079,010, G>A. VCF-style: chr7-34079010-G-A. GRCh37 (hg19) VCF-style: chr7-34118622-G-A.
Other names: c.1232G>A, p.Arg411Gln (NM_133468.5); short protein forms R411Q.
Identifiers: ClinVar variation 2079403 (VCV002079403.1), dbSNP rs139762183, ClinGen allele CA4215326.
Genomic context (GRCh38, chr7:34,079,010, plus strand): 5'-CAAAAGACTGCTCCTCCCCTGCCTCGCCCTTCCAGGTGCTGGTGAAGAACGACGCCCGCC[G>A]GACACGCTCCTTCTCGTGGACCAAGTCGGTGGAGCTGGTGCTGGGCGAGAGCAGGGTCAG-3'
Protein context (NP_001352237.1, residues 401-421): FQVLVKNDAR[Arg411Gln]TRSFSWTKSV

ClinVar aggregate classification (germline): Uncertain significance (1 of 4 stars; one submission).

Allele frequency attached by ClinVar (database versions not stated): ExAC 0.00003; gnomAD 0.00009; ESP Exome Variant Server 0.00023.
gnomAD v4.1: 44 of 1,614,076 alleles (0.0027%); highest among the groups gnomAD compares: African/African-American, 0.049%; no homozygotes.

Submission:

Labcorp Genetics (formerly Invitae), Labcorp
Classification: Uncertain significance. Last evaluated: 2022-11-01. Review status: criteria provided, single submitter. Criteria: Invitae Variant Classification Sherloc (09022015). Collection method: clinical testing. Allele origin: germline.
Comment: This sequence change replaces arginine, which is basic and polar, with glutamine, which is neutral and polar, at codon 411 of the BMPER protein (p.Arg411Gln). This variant is present in population databases (rs139762183, gnomAD 0.04%). This variant has not been reported in the literature in individuals affected with BMPER-related conditions. Advanced modeling of protein sequence and biophysical properties (such as structural, functional, and spatial information, amino acid conservation, physicochemical variation, residue mobility, and thermodynamic stability) performed at Invitae indicates that this missense variant is not expected to disrupt BMPER protein function. In summary, the available evidence is currently insufficient to determine the role of this variant in disease. Therefore, it has been classified as a Variant of Uncertain Significance.